The following is an entry in ClinVar:

NM_198904.4(GABRG2):c.967C>T (p.Arg323Trp)

Gene: GABRG2 (gamma-aminobutyric acid type A receptor subunit gamma2; plus strand). Cytogenetic location: 5q34.
Variant type: single nucleotide variant.
Coding change: c.967C>T on transcript NM_198904.4 (MANE Select); coding-DNA position 967, C replaced by T.
Protein change: p.Arg323Trp; replaces arginine 323 with tryptophan.
Molecular consequence: missense variant. On other transcripts: intron variant (1).
Genome position (GRCh38, 1-based): chr5:162,149,152, C>T. VCF-style: chr5-162149152-C-T. GRCh37 (hg19) VCF-style: chr5-161576158-C-T.
Other names: p.R323W:CGG>TGG; c.958C>T, p.Arg320Trp (NM_001375339.1); c.964C>T, p.Arg322Trp (NM_001375341.1, NM_001375342.1); c.1087C>T, p.Arg363Trp (NM_001375343.1, NM_198903.2); c.1006C>T, p.Arg336Trp (NM_001375344.1); c.901C>T, p.Arg301Trp (NM_001375345.1, NM_001375346.1); c.880C>T, p.Arg294Trp (NM_001375347.1); c.547C>T, p.Arg183Trp (NM_001375348.1, NM_001375350.1); and 4 more; short protein forms R323W, R363W, R183W, R228W, R294W, R301W, R320W, R322W.
Identifiers: ClinVar variation 205549 (VCV000205549.16), dbSNP rs796052510, ClinGen allele CA314732.

ClinVar aggregate classification (germline): Pathogenic/Likely pathogenic. Review status: criteria provided, multiple submitters, no conflicts (2 of 4 stars). 5 submissions from 5 submitters: Pathogenic (4); Likely pathogenic (1). Last evaluated 2025-07-25.

Conditions:
Febrile seizures, familial, 8 (FEB8). Also called: CONVULSIONS, FAMILIAL FEBRILE, 8. Identifiers: Orphanet 36387, MedGen C1969810, MONDO:0011891, OMIM 607681.
Developmental and epileptic encephalopathy, 74. Also called: EPILEPTIC ENCEPHALOPATHY, EARLY INFANTILE, 74. Identifiers: MedGen C5193074, MONDO:0032725, OMIM 618396.
EPILEPSY, CHILDHOOD ABSENCE, SUSCEPTIBILITY TO, 2 (ECA2). Identifiers: Orphanet 64280, MedGen C1843244, OMIM 607681.
Intellectual disability. Also called: Intellectual functioning disability; Intellectual developmental disorder; intellectual disabilities. Identifiers: MedGen C3714756, MeSH D008607, MONDO:0001071, HP:0001249.

Submissions (5):

Labcorp Genetics (formerly Invitae), Labcorp
Classification: Pathogenic for Febrile seizures, familial, 8; EPILEPSY, CHILDHOOD ABSENCE, SUSCEPTIBILITY TO, 2. Last evaluated: 2025-07-25. Review status: criteria provided, single submitter. Criteria: Invitae Variant Classification Sherloc (09022015). Collection method: clinical testing. Allele origin: germline.
Comment: This sequence change replaces arginine, which is basic and polar, with tryptophan, which is neutral and slightly polar, at codon 323 of the GABRG2 protein (p.Arg323Trp). This variant is not present in population databases (gnomAD no frequency). This missense change has been observed in individual(s) with early-onset epilepsy (PMID: 27864268; internal data). In at least one individual the variant was observed to be de novo. It has also been observed to segregate with disease in related individuals. ClinVar contains an entry for this variant (Variation ID: 205549). Invitae Evidence Modeling of protein sequence and biophysical properties (such as structural, functional, and spatial information, amino acid conservation, physicochemical variation, residue mobility, and thermodynamic stability) indicates that this missense variant is expected to disrupt GABRG2 protein function with a positive predictive value of 95%. Experimental studies have shown that this missense change affects GABRG2 function (PMID: 27864268). This variant disrupts the p.Arg323 amino acid residue in GABRG2. Other variant(s) that disrupt this residue have been determined to be pathogenic (PMID: 23708187). This suggests that this residue is clinically significant, and that variants that disrupt this residue are likely to be disease-causing. For these reasons, this variant has been classified as Pathogenic.

Institute of Human Genetics, Clinical Exome/Genome Diagnostics Group, University Hospital Bonn
Classification: Pathogenic for Developmental and epileptic encephalopathy, 74; Febrile seizures, familial, 8. Last evaluated: 2023-12-06. Review status: criteria provided, single submitter. Criteria: ACMG Guidelines, 2015. Collection method: clinical testing. Allele origin: germline. Affected: yes.

Institute of Human Genetics, University of Leipzig Medical Center
Classification: Pathogenic for Febrile seizures, familial, 8. Last evaluated: 2023-11-10. Review status: criteria provided, single submitter. Criteria: ACMG Guidelines, 2015. Collection method: clinical testing. Allele origin: maternal. Inheritance: Autosomal dominant inheritance. Affected: yes.
Comment: Criteria applied: PS2_VSTR,PS4_MOD,PM1,PM5,PS3_SUP,PM2,PP3

GeneDx
Classification: Pathogenic. Last evaluated: 2022-06-03. Review status: criteria provided, single submitter. Criteria: GeneDx Variant Classification Process June 2021. Collection method: clinical testing. Allele origin: germline. Affected: yes.
Comment: Published functional studies demonstrate a damaging effect; specifically, expression of R323W in HEK293 cells led to significantly reduced GABA-evoked currents, increased zinc sensitivity and reduced surface expression, and altered receptor kinetics by accelerating channel deactivation (Shen et al., 2017); Not observed at significant frequency in large population cohorts (gnomAD); This variant is associated with the following publications: (PMID: 28684954, 27864268, 30190672, 31087664, 29933521, 35359574)

Diagnostic Laboratory, Strasbourg University Hospital
Classification: Likely pathogenic for Intellectual disability. Last evaluated: 2020-09-10. Review status: criteria provided, single submitter. Criteria: ACMG Guidelines, 2015. Collection method: clinical testing. Allele origin: de novo. Affected: yes. Observed: 1 heterozygote.

Literature cited by the submitters: PubMed 27864268 (cited by Labcorp Genetics (formerly Invitae), Labcorp); PubMed 23708187 (cited by Labcorp Genetics (formerly Invitae), Labcorp).